The following is an entry in ClinVar:

NM_001042492.3(NF1):c.8161C>G (p.Gln2721Glu)

Gene: NF1 (neurofibromin 1; plus strand). Cytogenetic location: 17q11.2.
Variant type: single nucleotide variant.
Coding change: c.8161C>G on transcript NM_001042492.3 (MANE Select); coding-DNA position 8161, C replaced by G.
Protein change: p.Gln2721Glu; replaces glutamine 2721 with glutamic acid.
Molecular consequence: missense variant.
Genome position (GRCh38, 1-based): chr17:31,360,487, C>G. VCF-style: chr17-31360487-C-G. GRCh37 (hg19) VCF-style: chr17-29687505-C-G.
Other names: c.8098C>G, p.Gln2700Glu (NM_000267.4); short protein forms Q2700E, Q2721E.
Identifiers: ClinVar variation 999217 (VCV000999217.5), dbSNP rs2070372971, ClinGen allele CA399204335.

ClinVar aggregate classification (germline): Uncertain significance. Review status: criteria provided, multiple submitters, no conflicts (2 of 4 stars). 2 submissions from 2 submitters: Uncertain significance (2). Last evaluated 2024-11-17.

Conditions:
Hereditary cancer-predisposing syndrome. Also called: Neoplastic Syndromes, Hereditary; Hereditary neoplastic syndrome; Hereditary Cancer Syndrome; Tumor predisposition. Identifiers: Orphanet 140162, MedGen C0027672, MeSH D009386, MONDO:0015356.
Cardiovascular phenotype. Identifiers: MedGen CN230736.
Neurofibromatosis, type 1 (NF1). Also called: Neurofibromatosis, type I; VON RECKLINGHAUSEN DISEASE; NEUROFIBROMATOSIS, TYPE I, SOMATIC; Peripheral type neurofibromatosis. Identifiers: Orphanet 636, MedGen C0027831, MONDO:0018975, OMIM 162200. Disease mechanism: loss of function.

Submissions (2):

Ambry Genetics
Classification: Uncertain significance for Cardiovascular phenotype; Hereditary cancer-predisposing syndrome. Last evaluated: 2024-11-17. Review status: criteria provided, single submitter. Criteria: Ambry Variant Classification Scheme 2023. Collection method: clinical testing. Allele origin: germline.
Comment: The p.Q2700E variant (also known as c.8098C>G) is located in coding exon 56 of the NF1 gene. The glutamine at codon 2700 is replaced by glutamic acid, an amino acid with highly similar properties. This change occurs in the first base pair of coding exon 56. This amino acid position is conserved. In addition, this alteration is predicted to be tolerated by in silico analysis. Based on the available evidence, the clinical significance of this variant remains unclear.

Labcorp Genetics (formerly Invitae), Labcorp
Classification: Uncertain significance for Neurofibromatosis, type 1. Last evaluated: 2022-10-13. Review status: criteria provided, single submitter. Criteria: Invitae Variant Classification Sherloc (09022015). Collection method: clinical testing. Allele origin: germline.
Comment: This sequence change replaces glutamine, which is neutral and polar, with glutamic acid, which is acidic and polar, at codon 2700 of the NF1 protein (p.Gln2700Glu). This variant is not present in population databases (gnomAD no frequency). In summary, the available evidence is currently insufficient to determine the role of this variant in disease. Therefore, it has been classified as a Variant of Uncertain Significance. Algorithms developed to predict the effect of missense changes on protein structure and function are either unavailable or do not agree on the potential impact of this missense change (SIFT: "Deleterious"; PolyPhen-2: "Possibly Damaging"; Align-GVGD: "Class C0"). ClinVar contains an entry for this variant (Variation ID: 999217). This variant has not been reported in the literature in individuals affected with NF1-related conditions.